The following is an entry in ClinVar:

NM_003119.4(SPG7):c.1033G>C (p.Ala345Pro)

Gene: SPG7 (SPG7 matrix AAA peptidase subunit, paraplegin; plus strand). Cytogenetic location: 16q24.3.
Variant type: single nucleotide variant.
Coding change: c.1033G>C on transcript NM_003119.4 (MANE Select); coding-DNA position 1033, G replaced by C.
Protein change: p.Ala345Pro; replaces alanine 345 with proline.
Molecular consequence: missense variant.
Genome position (GRCh38, 1-based): chr16:89,531,949, G>C. VCF-style: chr16-89531949-G-C. GRCh37 (hg19) VCF-style: chr16-89598357-G-C.
Other names: c.1033G>C, p.Ala345Pro (NM_001363850.1, NM_199367.3); c.1033G>C (NM_003119.3); short protein forms A345P.
Identifiers: ClinVar variation 436844 (VCV000436844.15), dbSNP rs368373840, ClinGen allele CA397419954.

ClinVar aggregate classification (germline): Conflicting classifications of pathogenicity. Review status: criteria provided, conflicting classifications (1 of 4 stars). 5 submissions from 5 submitters: Pathogenic (1); Likely pathogenic (1); Uncertain significance (3). Last evaluated 2025-06-11.

Conditions:
Hereditary spastic paraplegia 7 (SPG7). Also called: Spastic paraplegia 7; Hereditary spastic paraplegia Paraplegin type; SPG7-related neurologic disorder; Autosomal recessive spastic paraplegia type 7; SPASTIC PARAPLEGIA 7, AUTOSOMAL RECESSIVE, WITH OR WITHOUT CEREBELLAR ATAXIA. Identifiers: Orphanet 99013, MedGen C1846564, MONDO:0011803, OMIM 607259.

Submissions (5):

Labcorp Genetics (formerly Invitae), Labcorp
Classification: Uncertain significance for Hereditary spastic paraplegia 7. Last evaluated: 2025-06-11. Review status: criteria provided, single submitter. Criteria: Invitae Variant Classification Sherloc (09022015). Collection method: clinical testing. Allele origin: germline.
Comment: This sequence change replaces alanine, which is neutral and non-polar, with proline, which is neutral and non-polar, at codon 345 of the SPG7 protein (p.Ala345Pro). This variant is not present in population databases (gnomAD no frequency). This missense change has been observed in individual(s) with clinical features of SPG7-related conditions (PMID: 29915382, 34983064). ClinVar contains an entry for this variant (Variation ID: 436844). Invitae Evidence Modeling of protein sequence and biophysical properties (such as structural, functional, and spatial information, amino acid conservation, physicochemical variation, residue mobility, and thermodynamic stability) indicates that this missense variant is expected to disrupt SPG7 protein function with a positive predictive value of 80%. In summary, the available evidence is currently insufficient to determine the role of this variant in disease. Therefore, it has been classified as a Variant of Uncertain Significance.

Women's Health and Genetics/Laboratory Corporation of America, LabCorp
Classification: Uncertain significance. Last evaluated: 2023-05-15. Review status: criteria provided, single submitter. Criteria: LabCorp Variant Classification Summary - May 2015. Collection method: clinical testing. Allele origin: germline.
Comment: Variant summary: SPG7 c.1033G>C (p.Ala345Pro) results in a non-conservative amino acid change located in the AAA+ ATPase domain (IPR003593) of the encoded protein sequence. Five of five in-silico tools predict a damaging effect of the variant on protein function. The variant was absent in 250854 control chromosomes. The available data on variant occurrences in the general population are insufficient to allow any conclusion about variant significance. c.1033G>C has been reported in the literature in at least one compound heterozygous individual affected with Hereditary Spastic Paraplegia (e.g., Sun_2019). These data do not allow any conclusion about variant significance. To our knowledge, no experimental evidence demonstrating an impact on protein function has been reported. The following publication have been ascertained in the context of this evaluation (PMID: 29915382). Three ClinVar submitters (evaluation after 2014) have cited the variant with conflicting assessments, classifying the variant as VUS (n = 2) or likely pathogenic (n = 1). Based on the evidence outlined above, the variant was classified as uncertain significance.

Athena Diagnostics
Classification: Uncertain significance. Last evaluated: 2020-10-28. Review status: criteria provided, single submitter. Criteria: Athena Diagnostics criteria. Collection method: clinical testing. Allele origin: unknown.

Genetic Services Laboratory, University of Chicago
Classification: Likely pathogenic for Spastic paraplegia 7, autosomal recessive. Last evaluated: 2016-12-23. Review status: criteria provided, single submitter. Criteria: ACMG Guidelines, 2015. Collection method: clinical testing. Allele origin: germline. Affected: yes.

Paris Brain Institute, Inserm - ICM
Classification: Pathogenic for Hereditary spastic paraplegia 7. Review status: criteria provided, single submitter. Criteria: ACMG Guidelines, 2015. Collection method: clinical testing. Allele origin: unknown. Affected: yes. Observed: 2 variant alleles.

Literature cited by the submitters: PubMed 29915382 (cited by 3 submitters); PubMed 34983064 (cited by Labcorp Genetics (formerly Invitae), Labcorp).